The following is an entry in ClinVar:

ClinVar aggregate classification (germline): Pathogenic (1 of 4 stars; one submission).

Submission:

GeneDx
Classification: Pathogenic. Last evaluated: 2024-04-11. Review status: criteria provided, single submitter. Criteria: GeneDx Variant Classification Process June 2021. Collection method: clinical testing. Allele origin: germline. Affected: yes.
Comment: Frameshift variant predicted to result in protein truncation or nonsense mediated decay in a gene for which loss of function is a known mechanism of disease; Not observed at significant frequency in large population cohorts (gnomAD); Has not been previously published as pathogenic or benign to our knowledge

NM_001162501.2(TNRC6B):c.2273dup (p.Asn758fs)

Gene: TNRC6B (trinucleotide repeat containing adaptor 6B; plus strand). Cytogenetic location: 22q13.1.
Variant type: Duplication.
Coding change: c.2273dup on transcript NM_001162501.2 (MANE Select); coding-DNA position 2273, one base duplicated (A; older notation c.2273dupA).
Protein change: p.Asn758fs; shifts the reading frame from asparagine 758.
Molecular consequence: frameshift variant. On other transcripts: intron variant (1).
Genome position (GRCh38, 1-based): chr22:40,266,503, A duplicated; the last of 6 consecutive A bases (chr22:40,266,498-40,266,503); duplicating any one gives the same sequence. VCF-style (leftmost placement, unchanged base first): chr22-40266497-C-CA. GRCh37 (hg19) VCF-style: chr22-40662501-C-CA.
Other names: c.2273dup, p.Asn758fs (NM_015088.3); c.566-3619dup (NM_001024843.2); short protein forms N758fs.
Identifiers: ClinVar variation 1318824 (VCV001318824.3), dbSNP rs2146501061, ClinGen allele CA645618417.